The following is an entry in ClinVar:

ClinVar aggregate classification (germline): Uncertain significance (1 of 4 stars; one submission).

Allele frequency attached by ClinVar (database versions not stated): ExAC 0.00001; gnomAD 0.00001; gnomAD exomes 0.00001; TOPMed 0.00001.
gnomAD v4.1: 17 of 1,613,880 alleles (0.0011%); highest among the groups gnomAD compares: Admixed American, 0.005%; no homozygotes.

Submission:

Labcorp Genetics (formerly Invitae), Labcorp
Classification: Uncertain significance. Last evaluated: 2026-01-26. Review status: criteria provided, single submitter. Criteria: Invitae Variant Classification Sherloc (09022015). Collection method: clinical testing. Allele origin: germline.
Comment: This sequence change replaces glycine, which is neutral and non-polar, with serine, which is neutral and polar, at codon 61 of the MICAL1 protein (p.Gly61Ser). This variant is present in population databases (rs779685769, gnomAD 0.009%). This variant has not been reported in the literature in individuals affected with MICAL1-related conditions. ClinVar contains an entry for this variant (Variation ID: 1946017). An algorithm developed to predict the effect of missense changes on protein structure and function (PolyPhen-2) suggests that this variant is likely to be tolerated. In summary, the available evidence is currently insufficient to determine the role of this variant in disease. Therefore, it has been classified as a Variant of Uncertain Significance.

NM_022765.4(MICAL1):c.124G>A (p.Gly42Ser)

Gene: MICAL1 (microtubule associated monooxygenase, calponin and LIM domain containing 1; minus strand). Cytogenetic location: 6q21.
Variant type: single nucleotide variant.
Coding change: c.124G>A on transcript NM_022765.4 (MANE Select); coding-DNA position 124, G replaced by A.
Protein change: p.Gly42Ser; replaces glycine 42 with serine.
Molecular consequence: missense variant.
Genome position (GRCh38, 1-based): chr6:109,454,073, C>T on the plus strand (G>A on the coding strand, the complement: MICAL1 is on the minus strand). VCF-style: chr6-109454073-C-T. GRCh37 (hg19) VCF-style: chr6-109775276-C-T.
Other names: c.124G>A, p.Gly42Ser (NM_001159291.2); c.181G>A, p.Gly61Ser (NM_001286613.2); short protein forms G61S, G42S.
Identifiers: ClinVar variation 1946017 (VCV001946017.5), dbSNP rs779685769, ClinGen allele CA3953891.
Genomic context (GRCh38, chr6:109,454,073, plus strand): 5'-ACTTGGCGCTCCAGTAGTTGAGCTGGTCCTTGATCTTGTGGTACTGGGGCAGCCCCCCAC[C>T]GGGTTCCAGCCCCAGGGCCCCACACAGCTCCTGGAAGCTGCTCAGCACGTCCTGGCACAG-3'
Protein context (NP_073602.3, residues 32-52): ELCGALGLEP[Gly42Ser]GGLPQYHKIK